The following is an entry in ClinVar:

NM_000179.3(MSH6):c.2544dup (p.Thr849fs)

Gene: MSH6 (mutS homolog 6; plus strand). Cytogenetic location: 2p16.3.
Variant type: Duplication.
Coding change: c.2544dup on transcript NM_000179.3 (MANE Select); coding-DNA position 2544, one base duplicated (T; older notation c.2544dupT).
Protein change: p.Thr849fs; shifts the reading frame from threonine 849.
Molecular consequence: frameshift variant. On other transcripts: non-coding transcript variant (5), intron variant (3).
Genome position (GRCh38, 1-based): chr2:47,800,527, T duplicated. VCF-style (leftmost placement, unchanged base first): chr2-47800526-C-CT. GRCh37 (hg19) VCF-style: chr2-48027665-C-CT.
Other names: c.2154dup, p.Thr719fs (NM_001281492.2); c.1638dup, p.Thr547fs (NM_001281493.2, NM_001281494.2, NM_001406811.1 and 6 more transcripts); c.2640dup, p.Thr881fs (NM_001406795.1, NM_001406802.1); c.2544dup, p.Thr849fs (NM_001406796.1, NM_001406798.1, NM_001406800.1 and 2 more transcripts); c.2247dup, p.Thr750fs (NM_001406797.1, NM_001406801.1, NM_001406805.1 and 10 more transcripts); c.2019dup, p.Thr674fs (NM_001406799.1, NM_001406806.1, NM_001406807.1); c.2466dup, p.Thr823fs (NM_001406804.1); c.2550dup, p.Thr851fs (NM_001406813.1); and 4 more; short protein forms T547fs, T674fs, T719fs, T750fs, T793fs, T823fs, T849fs, T851fs.
Identifiers: ClinVar variation 2673727 (VCV002673727.1), dbSNP rs2530678783, ClinGen allele CA2695200554.

ClinVar aggregate classification (germline): Pathogenic (1 of 4 stars; one submission).

Conditions:
Lynch syndrome 5 (LYNCH5). Also called: Colorectal cancer, hereditary nonpolyposis, type 5; Hereditary non-polyposis colorectal cancer, type 5. Identifiers: Orphanet 144, MedGen C1833477, MONDO:0013710, OMIM 614350. Disease mechanism: loss of function.

Submission:

Myriad Genetics, Inc.
Classification: Pathogenic for Lynch syndrome 5. Last evaluated: 2023-08-17. Review status: criteria provided, single submitter. Criteria: Myriad Autosomal Dominant, Autosomal Recessive and X-Linked Classification Criteria (2023). Collection method: clinical testing. Allele origin: unknown.
Comment: This variant is considered pathogenic. This variant creates a frameshift predicted to result in premature protein truncation.